The following is an entry in ClinVar:

NM_001352754.2(ARMC9):c.2263G>C (p.Glu755Gln)

Gene: ARMC9 (armadillo repeat containing 9; plus strand). Cytogenetic location: 2q37.1.
Variant type: single nucleotide variant.
Coding change: c.2263G>C on transcript NM_001352754.2 (MANE Select); coding-DNA position 2263, G replaced by C.
Protein change: p.Glu755Gln; replaces glutamic acid 755 with glutamine.
Molecular consequence: missense variant.
Genome position (GRCh38, 1-based): chr2:231,369,954, G>C. VCF-style: chr2-231369954-G-C. GRCh37 (hg19) VCF-style: chr2-232234665-G-C.
Other names: c.2263G>C, p.Glu755Gln (NM_001271466.4); short protein forms E755Q.
Identifiers: ClinVar variation 1364363 (VCV001364363.6), dbSNP rs537361306, ClinGen allele CA66863856.

ClinVar aggregate classification (germline): Uncertain significance (1 of 4 stars; one submission).

Allele frequency attached by ClinVar (database versions not stated): gnomAD exomes below 0.00001 and 0.00001.
gnomAD v4.1: 1 of 1,507,212 alleles (0.000066%); highest among the groups gnomAD compares: Non-Finnish European, 0.000089%; no homozygotes.

Submission:

Labcorp Genetics (formerly Invitae), Labcorp
Classification: Uncertain significance. Last evaluated: 2022-02-23. Review status: criteria provided, single submitter. Criteria: Invitae Variant Classification Sherloc (09022015). Collection method: clinical testing. Allele origin: germline.
Comment: In summary, the available evidence is currently insufficient to determine the role of this variant in disease. Therefore, it has been classified as a Variant of Uncertain Significance. Experimental studies and prediction algorithms are not available or were not evaluated, and the functional significance of this variant is currently unknown. This variant has not been reported in the literature in individuals affected with ARMC9-related conditions. This variant is present in population databases (rs537361306, gnomAD 0.002%). This sequence change replaces glutamic acid, which is acidic and polar, with glutamine, which is neutral and polar, at codon 755 of the ARMC9 protein (p.Glu755Gln).